The following is an entry in ClinVar:

NM_175914.5(HNF4A):c.50-4630T>C

Gene: HNF4A (hepatocyte nuclear factor 4 alpha; plus strand). Cytogenetic location: 20q13.12.
Variant type: single nucleotide variant.
Coding change: c.50-4630T>C on transcript NM_175914.5 (MANE Select); 4630 bases into the intron before coding-DNA position 50, T replaced by C.
Molecular consequence: intron variant. On other transcripts: missense variant (3), 5 prime UTR variant (1).
Genome position (GRCh38, 1-based): chr20:44,401,428, T>C. VCF-style: chr20-44401428-T-C. GRCh37 (hg19) VCF-style: chr20-43030068-T-C.
Other names: c.56T>C, p.Leu19Pro (NM_000457.6, NM_178849.3, NM_178850.3); c.-57T>C (NM_001258355.2); c.41-4630T>C (NM_001287182.2, NM_001287183.2, NM_001287184.2); c.50-4630T>C (NM_001030003.3, NM_001030004.3); short protein forms L19P.
Identifiers: ClinVar variation 895123 (VCV000895123.5), dbSNP rs2063407237, ClinGen allele CA409103125.

ClinVar aggregate classification (germline): Uncertain significance/Uncertain risk allele. Review status: criteria provided, multiple submitters, no conflicts (2 of 4 stars). 3 submissions from 2 submitters: Uncertain significance (2); Uncertain risk allele (1). Last evaluated 2018-03-16.

Conditions:
Maturity-onset diabetes of the young (MODY). Also called: Maturity onset diabetes mellitus in young. Identifiers: Orphanet 552, MedGen C0342276, MONDO:0018911, HP:0004904.
Maturity-onset diabetes of the young type 1. Also called: MODY type 1; Diabetes mellitus MODY type 1; MODY HNF4A related; MILD JUVENILE DIABETES MELLITUS; HNF4A-Related Maturity-Onset Diabetes of the Young Type 1; MODY, type I. Identifiers: Orphanet 552, MedGen C1852093, MONDO:0007452, OMIM 125850. Disease mechanism: loss of function.
Familial hyperinsulinism. Also called: Congenital hyperinsulinism. Identifiers: Orphanet 276525, MedGen C3888018, MONDO:0017182. Disease mechanism: loss of function.

Allele frequency attached by ClinVar (database versions not stated): gnomAD exomes below 0.00001.
gnomAD v4.1: 1 of 1,614,194 alleles (0.000062%); no homozygotes.

Submissions (3):

Illumina Laboratory Services, Illumina
Classification: Uncertain significance for Familial hyperinsulinism. Last evaluated: 2018-03-16. Review status: criteria provided, single submitter. Criteria: ICSL Variant Classification Criteria 13 December 2019. Collection method: clinical testing. Allele origin: germline.

Illumina Laboratory Services, Illumina
Classification: Uncertain significance for Maturity-onset diabetes of the young type 1. Last evaluated: 2018-03-16. Review status: criteria provided, single submitter. Criteria: ICSL Variant Classification Criteria 13 December 2019. Collection method: clinical testing. Allele origin: germline.

Clinical Genomics, Uppaluri K&H Personalized Medicine Clinic
Classification: Uncertain risk allele for Maturity-onset diabetes of the young. Review status: criteria provided, single submitter. Criteria: K & H Uppaluri Personalized Medicine Clinic Variant Classification & Assertion Criteria_Updated V.1. Collection method: research. Allele origin: unknown. Inheritance: Autosomal dominant inheritance.
Comment: Potent mutations in HNF4A are associated with poor insulin secretion in response to hyperglycemia. Associated with MODY1. Patients initially respond well to sulfonylureas but eventually become insulin dependent. However, more evidence is required to ascertain the role of this particular variant rs2063407237 in MODY, yet.

Literature cited by the submitters: DOI 10.1159/000334532 (cited by Clinical Genomics, Uppaluri K&H Personalized Medicine Clinic); PubMed 18268044 (cited by Clinical Genomics, Uppaluri K&H Personalized Medicine Clinic); PubMed 17563455 (cited by Clinical Genomics, Uppaluri K&H Personalized Medicine Clinic); PubMed 32583173 (cited by Clinical Genomics, Uppaluri K&H Personalized Medicine Clinic); PubMed 35052457 (cited by Clinical Genomics, Uppaluri K&H Personalized Medicine Clinic); PubMed 35118593 (cited by Clinical Genomics, Uppaluri K&H Personalized Medicine Clinic).